The following is an entry in ClinVar:

ClinVar aggregate classification (germline): Benign/Likely benign. Review status: criteria provided, multiple submitters, no conflicts (2 of 4 stars). 3 submissions from 3 submitters: Benign (1); Likely benign (2). Last evaluated 2024-12-23.

Conditions:
Hereditary cancer-predisposing syndrome. Also called: Tumor predisposition; Neoplastic Syndromes, Hereditary; Hereditary Cancer Syndrome; Hereditary neoplastic syndrome. Identifiers: Orphanet 140162, MedGen C0027672, MeSH D009386, MONDO:0015356.
Birt-Hogg-Dube syndrome 1 (BHD1). Also called: FIBROFOLLICULOMAS WITH TRICHODISCOMAS AND ACROCHORDONS. Identifiers: Orphanet 122, MedGen CN375946, MONDO:0800445, OMIM 135150.
Birt-Hogg-Dube syndrome. Also called: Birt Hogg Dubé syndrome. Identifiers: Orphanet 122, MedGen C0346010, MONDO:0800444.

Allele frequency attached by ClinVar (database versions not stated): TOPMed below 0.00001; gnomAD 0.00001.
gnomAD v4.1: 1 of 1,613,770 alleles (0.000062%); highest among the groups gnomAD compares: Non-Finnish European, 0.000085%; no homozygotes.

Submissions (3):

Labcorp Genetics (formerly Invitae), Labcorp
Classification: Likely benign for Birt-Hogg-Dube syndrome. Last evaluated: 2024-12-23. Review status: criteria provided, single submitter. Criteria: Invitae Variant Classification Sherloc (09022015). Collection method: clinical testing. Allele origin: germline.

Myriad Genetics, Inc.
Classification: Benign for Birt-Hogg-Dube syndrome 1. Last evaluated: 2024-10-24. Review status: criteria provided, single submitter. Criteria: Myriad Autosomal Dominant, Autosomal Recessive and X-Linked Classification Criteria (2023). Collection method: clinical testing. Allele origin: unknown.
Comment: This variant is considered benign. This variant is a silent/synonymous amino acid change and it is not expected to impact splicing.

Ambry Genetics
Classification: Likely benign for Hereditary cancer-predisposing syndrome. Last evaluated: 2019-05-20. Review status: criteria provided, single submitter. Criteria: Ambry Variant Classification Scheme 2023. Collection method: clinical testing. Allele origin: germline.

NM_144997.7(FLCN):c.1252C>T (p.Leu418=)

Gene: FLCN (folliculin; minus strand). Cytogenetic location: 17p11.2.
Variant type: single nucleotide variant.
Coding change: c.1252C>T on transcript NM_144997.7 (MANE Select); coding-DNA position 1252, C replaced by T.
Protein change: p.Leu418=; no amino-acid change (leucine 418 retained).
Molecular consequence: synonymous variant.
Genome position (GRCh38, 1-based): chr17:17,216,428, G>A on the plus strand (C>T on the coding strand, the complement: FLCN is on the minus strand). VCF-style: chr17-17216428-G-A. GRCh37 (hg19) VCF-style: chr17-17119742-G-A.
Other names: c.1252C>T (LRG_325t1); c.1306C>T, p.Leu436= (NM_001353229.2); c.1252C>T, p.Leu418= (NM_001353230.2, NM_001353231.2).
Identifiers: ClinVar variation 415624 (VCV000415624.16), dbSNP rs1060504595, ClinGen allele CA16615519.
Genomic context (GRCh38, chr17:17,216,428, plus strand): 5'-GGGGGCACGCACCTGAGGAGAGCACGTGGGGGGGGATCTGCACGTGCGGGCTGAGCCCCA[G>A]GAAGTTGCACCGATAGGCCTCCTCGTACTGGCTGCTGTATGGGATGATGCGGACGCAGCC-3'
Protein context (NP_659434.2, residues 408-428): QYEEAYRCNF[Leu418=]GLSPHVQIPP